The following is an entry in ClinVar:

ClinVar aggregate classification (germline): Conflicting classifications of pathogenicity. Review status: criteria provided, conflicting classifications (1 of 4 stars). 17 submissions from 17 submitters: Uncertain significance (1); Benign (4); Likely benign (8). 4 of the submissions do not count toward it. Last evaluated 2026-07-29.

Conditions:
Inherited breast cancer and ovarian cancer.
Hereditary cancer-predisposing syndrome. Also called: Hereditary Cancer Syndrome; Neoplastic Syndromes, Hereditary; Hereditary neoplastic syndrome; Tumor predisposition. Identifiers: Orphanet 140162, MedGen C0027672, MeSH D009386, MONDO:0015356.
Breast-ovarian cancer, familial, susceptibility to, 1 (BROVCA1). Also called: BRCA1 Hereditary Breast and Ovarian Cancer; OVARIAN CANCER, SUSCEPTIBILITY TO. Identifiers: Orphanet 145, MedGen C2676676, MONDO:0011450, OMIM 604370. Disease mechanism: loss of function.
Hereditary breast ovarian cancer syndrome. Also called: Hereditary breast and/or ovarian cancer syndrome; Hereditary breast and ovarian cancer syndrome; Hereditary breast and ovarian cancer; Hereditary breast and ovarian cancer syndrome (HBOC); Breast and ovarian cancer; BRCA1- and BRCA2-Associated Hereditary Breast and Ovarian Cancer. Identifiers: Orphanet 145, MedGen C0677776, MeSH D061325, MONDO:0003582. Disease mechanism: loss of function.

Allele frequency attached by ClinVar (database versions not stated): 1000 Genomes Project 0.00020; gnomAD exomes 0.00001 and 0.00003; ExAC 0.00003; gnomAD 0.00007; ESP Exome Variant Server 0.00008; TOPMed 0.00012; 1000 Genomes Project 30x 0.00016.
gnomAD v4.1: 30 of 1,613,494 alleles (0.0019%); highest among the groups gnomAD compares: Middle Eastern, 0.033%; no homozygotes.

Submissions (17):

Cambridge Genomics Laboratory, East Genomic Laboratory Hub, NHS Genomic Medicine Service
Classification: Benign for Inherited breast cancer and ovarian cancer. Last evaluated: 2026-07-29. Review status: criteria provided, single submitter. Criteria: ACGS Best Practice Guidelines for Variant Classification in Rare Disease 2020. Collection method: clinical testing. Allele origin: germline. Affected: yes.
Comment: BS1_Strong,BP4,BP5

Labcorp Genetics (formerly Invitae), Labcorp
Classification: Likely benign for Hereditary breast ovarian cancer syndrome. Last evaluated: 2026-01-27. Review status: criteria provided, single submitter. Criteria: Invitae Variant Classification Sherloc (09022015). Collection method: clinical testing. Allele origin: germline.

Dasa
Classification: Uncertain significance. Last evaluated: 2025-12-18. Review status: criteria provided, single submitter. Criteria: DASA Assertion Criteria. Collection method: clinical testing. Allele origin: germline.
Comment: NM_007294.4(BRCA1):c.593+3G>A is a splice-region variant. This variant is rare in population databases. Computational prediction algorithms are consistent with a benign effect. The currently available literature and clinical evidence are not sufficient to establish a definitive association between this variant and the reported condition. Therefore, this variant is classified as a variant of uncertain significance.

Women's Health and Genetics/Laboratory Corporation of America, LabCorp
Classification: Likely benign. Last evaluated: 2025-11-03. Review status: criteria provided, single submitter. Criteria: LabCorp Variant Classification Summary - May 2015. Collection method: clinical testing. Allele origin: germline.
Comment: Variant summary: BRCA1 c.593+3G>A alters a conserved nucleotide located close to a canonical splice site and therefore could affect mRNA splicing, leading to a significantly altered protein sequence. Consensus agreement among computation tools predict no significant impact on normal splicing. This prediction has been confirmed by a functional study (Leman_2018). The variant allele was found at a frequency of 2.8e-05 in 251310 control chromosomes, predominantly at a frequency of 0.00043 within the African or African-American subpopulation in the gnomAD database. The available data on variant occurrences in the general population are insufficient to allow any conclusion about variant significance. To our knowledge, no occurrence of c.593+3G>A in individuals affected with BRCA1-related conditions and no experimental evidence demonstrating its impact on protein function have been reported. Co-occurrences with other pathogenic variant(s) have been reported (BRCA2 c.2092delC (p.Leu698TyrfsX32), UMD), providing supporting evidence for a benign role. The following publication has been ascertained in the context of this evaluation (PMID: 29750258). ClinVar contains an entry for this variant (Variation ID: 91657). Based on the evidence outlined above, the variant was classified as likely benign.

ARUP Laboratories, Molecular Genetics and Genomics, ARUP Laboratories
Classification: Likely benign. Last evaluated: 2024-07-22. Review status: criteria provided, single submitter. Criteria: ARUP Molecular Germline Variant Investigation Process 2024. Collection method: clinical testing. Allele origin: germline.

All of Us Research Program, National Institutes of Health
Classification: Likely benign for Breast-ovarian cancer, familial, susceptibility to, 1. Last evaluated: 2024-01-11. Review status: criteria provided, single submitter. Criteria: ACMG Guidelines, 2015. Collection method: clinical testing. Allele origin: germline. Inheritance: Autosomal dominant inheritance. Observed: 7 variant alleles, 7 heterozygotes.
Comment: This study involves interpretation of variants in research participants for the purpose of population health screening. Participant phenotype was not available at the time of variant classification. Additional details can be found in publication PMID: 35346344, PMCID: PMC8962531

Blueprint Genetics
Classification: Likely benign. Last evaluated: 2023-03-15. Review status: criteria provided, single submitter. Criteria: ACMG Guidelines, 2015. Collection method: clinical testing. Allele origin: germline.

National Health Laboratory Service, Universitas Academic Hospital and University of the Free State
Classification: Benign for Hereditary breast ovarian cancer syndrome. Last evaluated: 2022-04-19. Review status: criteria provided, single submitter. Criteria: ACMG Guidelines, 2015. Collection method: clinical testing. Allele origin: germline. Affected: yes. Observed: 23 variant alleles.

Sema4
Classification: Likely benign for Hereditary cancer-predisposing syndrome. Last evaluated: 2021-11-01. Review status: criteria provided, single submitter. Criteria: Sema4 Curation Guidelines. Collection method: curation. Allele origin: germline.

Quest Diagnostics Nichols Institute San Juan Capistrano
Classification: Benign. Last evaluated: 2021-01-29. Review status: criteria provided, single submitter. Criteria: Quest Diagnostics criteria. Collection method: clinical testing. Allele origin: unknown.

Ambry Genetics
Classification: Likely benign for Hereditary cancer-predisposing syndrome. Last evaluated: 2018-11-05. Review status: criteria provided, single submitter. Criteria: Ambry Variant Classification Scheme 2023. Collection method: clinical testing. Allele origin: germline.

Color Diagnostics, LLC DBA Color Health
Classification: Likely benign for Hereditary cancer-predisposing syndrome. Last evaluated: 2018-01-29. Review status: criteria provided, single submitter. Criteria: ACMG Guidelines, 2015. Collection method: clinical testing. Allele origin: germline.

GeneDx
Classification: Benign. Last evaluated: 2014-08-29. Review status: criteria provided, single submitter. Criteria: GeneDx Variant Classification (06012015). Collection method: clinical testing. Allele origin: germline. Affected: yes.
Comment: This variant is considered likely benign or benign based on one or more of the following criteria: it is a conservative change, it occurs at a poorly conserved position in the protein, it is predicted to be benign by multiple in silico algorithms, and/or has population frequency not consistent with disease.

BRCAlab, Lund University
Classification: Likely benign for Breast-ovarian cancer, familial, susceptibility to, 1. Last evaluated: 2020-03-02. Review status: no assertion criteria provided. Collection method: clinical testing. Allele origin: germline. Affected: yes. Not counted in ClinVar's aggregate classification.

Counsyl
Classification: Likely benign for Breast-ovarian cancer, familial, susceptibility to, 1. Last evaluated: 2017-07-14. Review status: no assertion criteria provided. Collection method: clinical testing. Allele origin: unknown. Not counted in ClinVar's aggregate classification.

Sharing Clinical Reports Project (SCRP)
Classification: Likely benign for Breast-ovarian cancer, familial 1. Last evaluated: 2012-05-01. Review status: no assertion criteria provided. Collection method: clinical testing. Allele origin: germline. Not counted in ClinVar's aggregate classification.

Breast Cancer Information Core (BIC) (BRCA1)
Classification: Uncertain significance for Breast-ovarian cancer, familial 1. Last evaluated: 1997-11-14. Review status: no assertion criteria provided. Collection method: clinical testing. Allele origin: germline. Affected: yes. Observed: 1 variant allele. Not counted in ClinVar's aggregate classification.

Literature cited by the submitters: PubMed 29750258 (cited by Women's Health and Genetics/Laboratory Corporation of America, LabCorp and Quest Diagnostics Nichols Institute San Juan Capistrano); DOI 10.3389/fgene.2022.834265 (cited by National Health Laboratory Service, Universitas Academic Hospital and University of the Free State).

NM_007294.4(BRCA1):c.593+3G>A

Gene: BRCA1 (BRCA1 DNA repair associated; minus strand). Cytogenetic location: 17q21.31.
Variant type: single nucleotide variant.
Coding change: c.593+3G>A on transcript NM_007294.4 (MANE Select); 3 bases into the intron after coding-DNA position 593, G replaced by A.
Molecular consequence: intron variant.
Genome position (GRCh38, 1-based): chr17:43,097,241, C>T on the plus strand (G>A on the coding strand, the complement: BRCA1 is on the minus strand). VCF-style: chr17-43097241-C-T. GRCh37 (hg19) VCF-style: chr17-41249258-C-T.
Other names: IVS9+3G>A; c.452+3G>A (NM_001408458.1, NM_001408469.1, NM_001408453.1 and 43 more transcripts); c.-218-2381G>A (NM_001407967.1, NM_001407966.1); c.212+3G>A (NM_001407959.1, NM_001408510.1, NM_001407963.1 and 1 more transcripts); c.404-2381G>A (NM_001407931.1, NM_001407932.1, NM_001408503.1 and 5 more transcripts); c.449+3G>A (NM_001407747.1, NM_001408470.1, NM_001407848.1 and 26 more transcripts); c.209+3G>A (NM_001407962.1); c.167-2381G>A (NM_001408512.1, NM_001407965.1); and 18 more.
Identifiers: ClinVar variation 91657 (VCV000091657.47), dbSNP rs80358013, ClinGen allele CA003749.